The following is an entry in ClinVar:

ClinVar aggregate classification (germline): Uncertain significance (1 of 4 stars; one submission).

Conditions:
Charcot-Marie-Tooth disease type 4. Also called: Charcot-Marie-Tooth, Type 4; Charcot-Marie-Tooth disease, type IV. Identifiers: Orphanet 64749, MedGen C4082197, MONDO:0018995.

Allele frequency attached by ClinVar (database versions not stated): gnomAD exomes below 0.00001.
gnomAD v4.1: 2 of 1,614,182 alleles (0.00012%); highest among the groups gnomAD compares: Non-Finnish European, 0.00017%; no homozygotes.

Submission:

Labcorp Genetics (formerly Invitae), Labcorp
Classification: Uncertain significance for Charcot-Marie-Tooth disease type 4. Last evaluated: 2020-11-23. Review status: criteria provided, single submitter. Criteria: Invitae Variant Classification Sherloc (09022015). Collection method: clinical testing. Allele origin: germline.
Comment: In summary, the available evidence is currently insufficient to determine the role of this variant in disease. Therefore, it has been classified as a Variant of Uncertain Significance. Algorithms developed to predict the effect of missense changes on protein structure and function output the following: SIFT: "Tolerated"; PolyPhen-2: "Possibly Damaging"; Align-GVGD: "Class C0". The leucine amino acid residue is found in multiple mammalian species, suggesting that this missense change does not adversely affect protein function. These predictions have not been confirmed by published functional studies and their clinical significance is uncertain. This variant has not been reported in the literature in individuals with PRX-related conditions. This variant is not present in population databases (ExAC no frequency). This sequence change replaces serine with leucine at codon 816 of the PRX protein (p.Ser816Leu). The serine residue is weakly conserved and there is a large physicochemical difference between serine and leucine.

NM_181882.3(PRX):c.2447C>T (p.Ser816Leu)

Gene: PRX (periaxin; minus strand). Cytogenetic location: 19q13.2.
Variant type: single nucleotide variant.
Coding change: c.2447C>T on transcript NM_181882.3 (MANE Select); coding-DNA position 2447, C replaced by T.
Protein change: p.Ser816Leu; replaces serine 816 with leucine.
Molecular consequence: missense variant. On other transcripts: 3 prime UTR variant (1).
Genome position (GRCh38, 1-based): chr19:40,395,905, G>A on the plus strand (C>T on the coding strand, the complement: PRX is on the minus strand). VCF-style: chr19-40395905-G-A. GRCh37 (hg19) VCF-style: chr19-40901812-G-A.
Other names: c.*2652C>T (NM_020956.2); short protein forms S816L.
Identifiers: ClinVar variation 1414428 (VCV001414428.8), dbSNP rs556698543, ClinGen allele CA405896261.